The following is an entry in ClinVar:

NM_032803.6(SLC7A3):c.618C>T (p.Ile206=)

Gene: SLC7A3 (solute carrier family 7 member 3; minus strand). Cytogenetic location: Xq13.1.
Variant type: single nucleotide variant.
Coding change: c.618C>T on transcript NM_032803.6 (MANE Select); coding-DNA position 618, C replaced by T.
Protein change: p.Ile206=; no amino-acid change (isoleucine 206 retained).
Molecular consequence: synonymous variant.
Genome position (GRCh38, 1-based): chrX:70,928,545, G>A on the plus strand (C>T on the coding strand, the complement: SLC7A3 is on the minus strand). VCF-style: chrX-70928545-G-A. GRCh37 (hg19) VCF-style: chrX-70148395-G-A.
Other names: c.618C>T, p.Ile206= (NM_001048164.3).
Identifiers: ClinVar variation 2660836 (VCV002660836.24), dbSNP rs144602966, ClinGen allele CA10443220.

ClinVar aggregate classification (germline): Likely benign (1 of 4 stars; one submission).

Allele frequency attached by ClinVar (database versions not stated): TOPMed 0.00020; 1000 Genomes Project 30x 0.00042; ESP Exome Variant Server 0.00047; 1000 Genomes Project 0.00053; ExAC 0.00055; gnomAD exomes 0.00057.
gnomAD v4.1: 658 of 1,204,499 alleles (0.055%); highest among the groups gnomAD compares: Non-Finnish European, 0.067%; no homozygotes.

Submission:

CeGaT Center for Human Genetics Tuebingen
Classification: Likely benign. Last evaluated: 2023-04-01. Review status: criteria provided, single submitter. Criteria: CeGaT Center For Human Genetics Tuebingen Variant Classification Criteria Version 2. Collection method: clinical testing. Allele origin: germline. Affected: yes. Observed: 1 variant allele.
Comment: SLC7A3: BP4, BS2